The following is an entry in ClinVar:

NM_007194.4(CHEK2):c.460A>T (p.Asn154Tyr)

Gene: CHEK2 (checkpoint kinase 2; minus strand). Cytogenetic location: 22q12.1.
Variant type: single nucleotide variant.
Coding change: c.460A>T on transcript NM_007194.4 (MANE Select); coding-DNA position 460, A replaced by T.
Protein change: p.Asn154Tyr; replaces asparagine 154 with tyrosine.
Molecular consequence: missense variant. On other transcripts: 5 prime UTR variant (2), intron variant (1).
Genome position (GRCh38, 1-based): chr22:28,725,109, T>A on the plus strand (A>T on the coding strand, the complement: CHEK2 is on the minus strand). VCF-style: chr22-28725109-T-A. GRCh37 (hg19) VCF-style: chr22-29121097-T-A.
Other names: c.589A>T, p.Asn197Tyr (NM_001005735.3, NM_001438294.1); c.-318A>T (NM_001257387.3); c.-204A>T (NM_001437942.1); c.553A>T, p.Asn185Tyr (NM_001438293.1, NM_001438295.1); c.460A>T, p.Asn154Tyr (NM_145862.3); c.444+134A>T (NM_001349956.3); short protein forms N154Y, N197Y, N185Y.
Identifiers: ClinVar variation 654155 (VCV000654155.9), dbSNP rs1320819223, ClinGen allele CA411107701.

ClinVar aggregate classification (germline): Uncertain significance (1 of 4 stars; one submission).

Conditions:
Familial cancer of breast. Also called: hereditary breast carcinoma; BREAST CANCER, FAMILIAL; Hereditary breast cancer. Identifiers: Orphanet 227535, MedGen C0346153, MONDO:0016419, OMIM 114480. Disease mechanism: loss of function.

Submission:

Labcorp Genetics (formerly Invitae), Labcorp
Classification: Uncertain significance for Familial cancer of breast. Last evaluated: 2018-08-07. Review status: criteria provided, single submitter. Criteria: Invitae Variant Classification Sherloc (09022015). Collection method: clinical testing. Allele origin: germline.
Comment: In summary, the available evidence is currently insufficient to determine the role of this variant in disease. Therefore, it has been classified as a Variant of Uncertain Significance. Algorithms developed to predict the effect of missense changes on protein structure and function are either unavailable or do not agree on the potential impact of this missense change (SIFT: "Deleterious"; PolyPhen-2: "Possibly Damaging"; Align-GVGD: "Class C0"). This variant has not been reported in the literature in individuals with CHEK2-related disease. This variant is not present in population databases (ExAC no frequency). This sequence change replaces asparagine with tyrosine at codon 154 of the CHEK2 protein (p.Asn154Tyr). The asparagine residue is highly conserved and there is a large physicochemical difference between asparagine and tyrosine.